The following is an entry in ClinVar:

ClinVar aggregate classification (germline): Uncertain significance. Review status: criteria provided, multiple submitters, no conflicts (2 of 4 stars). 2 submissions from 2 submitters: Uncertain significance (2). Last evaluated 2025-08-23.

Conditions:
Immunodeficiency 35 (IMD35). Also called: Susceptibility to infection due to TYK2 deficiency; TYK2 DEFICIENCY; HIES WITH ATYPICAL MYCOBACTERIOSIS, AUTOSOMAL RECESSIVE; HYPER-IgE SYNDROME WITH ATYPICAL MYCOBACTERIOSIS, AUTOSOMAL RECESSIVE. Identifiers: Orphanet 331226, MedGen C1969086, MONDO:0012682, OMIM 611521.
Inborn genetic diseases. Identifiers: MedGen C0950123, MeSH D030342.

Allele frequency attached by ClinVar (database versions not stated): ExAC 0.00001; TOPMed 0.00002; gnomAD 0.00003.
gnomAD v4.1: 18 of 1,613,428 alleles (0.0011%); highest among the groups gnomAD compares: Admixed American, 0.0017%; no homozygotes.

Submissions (2):

Ambry Genetics
Classification: Uncertain significance for Inborn genetic diseases. Last evaluated: 2025-08-23. Review status: criteria provided, single submitter. Criteria: Ambry Variant Classification Scheme 2023. Collection method: clinical testing. Allele origin: germline.

Labcorp Genetics (formerly Invitae), Labcorp
Classification: Uncertain significance for Immunodeficiency 35. Last evaluated: 2024-09-06. Review status: criteria provided, single submitter. Criteria: Invitae Variant Classification Sherloc (09022015). Collection method: clinical testing. Allele origin: germline.
Comment: This sequence change replaces glycine, which is neutral and non-polar, with aspartic acid, which is acidic and polar, at codon 786 of the TYK2 protein (p.Gly786Asp). This variant is present in population databases (rs773804132, gnomAD 0.003%). This variant has not been reported in the literature in individuals affected with TYK2-related conditions. ClinVar contains an entry for this variant (Variation ID: 2189000). Invitae Evidence Modeling of protein sequence and biophysical properties (such as structural, functional, and spatial information, amino acid conservation, physicochemical variation, residue mobility, and thermodynamic stability) indicates that this missense variant is not expected to disrupt TYK2 protein function with a negative predictive value of 80%. In summary, the available evidence is currently insufficient to determine the role of this variant in disease. Therefore, it has been classified as a Variant of Uncertain Significance.

NM_003331.5(TYK2):c.2357G>A (p.Gly786Asp)

Gene: TYK2 (tyrosine kinase 2; minus strand). Cytogenetic location: 19p13.2.
Variant type: single nucleotide variant.
Coding change: c.2357G>A on transcript NM_003331.5 (MANE Select); coding-DNA position 2357, G replaced by A.
Protein change: p.Gly786Asp; replaces glycine 786 with aspartic acid.
Molecular consequence: missense variant.
Genome position (GRCh38, 1-based): chr19:10,357,873, C>T on the plus strand (G>A on the coding strand, the complement: TYK2 is on the minus strand). VCF-style: chr19-10357873-C-T. GRCh37 (hg19) VCF-style: chr19-10468549-C-T.
Other names: c.2357G>A, p.Gly786Asp (NM_001385197.1, NM_001385198.1, NM_001385200.1 and 3 more transcripts); c.2171G>A, p.Gly724Asp (NM_001385199.1); c.2159G>A, p.Gly720Asp (NM_001385201.1); c.2273G>A, p.Gly758Asp (NM_001385202.1); c.2267G>A, p.Gly756Asp (NM_001385205.1); c.2231G>A, p.Gly744Asp (NM_001385206.1); c.2339G>A, p.Gly780Asp (NM_001385207.1); short protein forms G780D, G724D, G756D, G758D, G744D, G720D, G786D.
Identifiers: ClinVar variation 2189000 (VCV002189000.4), dbSNP rs773804132, ClinGen allele CA9193094.